The following is an entry in ClinVar:

NM_000443.4(ABCB4):c.1283T>C (p.Val428Ala)

Gene: ABCB4 (ATP binding cassette subfamily B member 4; minus strand). Cytogenetic location: 7q21.12.
Variant type: single nucleotide variant.
Coding change: c.1283T>C on transcript NM_000443.4 (MANE Select); coding-DNA position 1283, T replaced by C.
Protein change: p.Val428Ala; replaces valine 428 with alanine.
Molecular consequence: missense variant.
Genome position (GRCh38, 1-based): chr7:87,443,392, A>G on the plus strand (T>C on the coding strand, the complement: ABCB4 is on the minus strand). VCF-style: chr7-87443392-A-G. GRCh37 (hg19) VCF-style: chr7-87072708-A-G.
Other names: c.1283T>C, p.Val428Ala (NM_018849.3, NM_018850.3); short protein forms V428A.
Identifiers: ClinVar variation 4846660 (VCV004846660.1).

ClinVar aggregate classification (germline): Uncertain significance (1 of 4 stars; one submission).

Conditions:
Familial intrahepatic cholestasis. Identifiers: Orphanet 284385, MedGen CN296401, MONDO:0017290.

Submission:

Genomenon, Inc
Classification: Uncertain significance for Familial intrahepatic cholestasis. Last evaluated: 2026-04-14. Review status: criteria provided, single submitter. Criteria: Genomenon Sequence Variant Interpretation Standards - Updated. Collection method: curation. Allele origin: germline. Affected: yes.
Comment: ABCB4 p.Val428Ala (c.1283T>C) is a missense variant that changes the amino acid at residue 428 from Valine to Alanine. This variant has been observed in at least one proband with an ABCB4-related disorder (PMID:22669981). It is absent or not present at a significant frequency in gnomAD. In silico models predict that this variant is possibly or probably damaging. In conclusion, we classify ABCB4 p.Val428Ala (c.1283T>C) as a variant of uncertain significance.

Literature cited by the submitters: PubMed 22669981.